The following is an entry in ClinVar:

ClinVar aggregate classification (germline): Conflicting classifications of pathogenicity. Review status: criteria provided, conflicting classifications (1 of 4 stars). 5 submissions from 5 submitters: Uncertain significance (4); Likely benign (1). Last evaluated 2025-12-08.

Conditions:
Hereditary cancer-predisposing syndrome. Also called: Hereditary neoplastic syndrome; Tumor predisposition; Neoplastic Syndromes, Hereditary; Hereditary Cancer Syndrome. Identifiers: Orphanet 140162, MedGen C0027672, MeSH D009386, MONDO:0015356.
Lynch syndrome 5 (LYNCH5). Also called: Hereditary non-polyposis colorectal cancer, type 5; Colorectal cancer, hereditary nonpolyposis, type 5. Identifiers: Orphanet 144, MedGen C1833477, MONDO:0013710, OMIM 614350. Disease mechanism: loss of function.
Hereditary nonpolyposis colorectal neoplasms. Identifiers: MedGen C0009405, MeSH D003123.

Submissions (5):

Ambry Genetics
Classification: Uncertain significance for Hereditary cancer-predisposing syndrome. Last evaluated: 2025-12-08. Review status: criteria provided, single submitter. Criteria: Ambry Variant Classification Scheme 2023. Collection method: clinical testing. Allele origin: germline.
Comment: The p.Y845C variant (also known as c.2534A>G), located in coding exon 4 of the MSH6 gene, results from an A to G substitution at nucleotide position 2534. The tyrosine at codon 845 is replaced by cysteine, an amino acid with highly dissimilar properties. This amino acid position is highly conserved in available vertebrate species. In addition, this alteration is predicted to be deleterious by in silico analysis. Based on the available evidence, the clinical significance of this variant remains unclear.

Labcorp Genetics (formerly Invitae), Labcorp
Classification: Likely benign for Hereditary nonpolyposis colorectal neoplasms. Last evaluated: 2025-05-05. Review status: criteria provided, single submitter. Criteria: Invitae Variant Classification Sherloc (09022015). Collection method: clinical testing. Allele origin: germline.

KCCC/NGS Laboratory, Kuwait Cancer Control Center
Classification: Uncertain significance for Lynch syndrome 5. Last evaluated: 2024-04-03. Review status: criteria provided, single submitter. Criteria: ACMG Guidelines, 2015. Collection method: clinical testing. Allele origin: germline. Inheritance: Autosomal dominant inheritance. Affected: yes. Observed: 1 heterozygote.
Comment: This sequence change replaces tyrosine, which is neutral and polar, with cysteine, which is neutral and slightly polar, at codon 845 of the MSH6 protein (p.Tyr845Cys). This variant is not present in population databases (gnomAD no frequency). This variant has not been reported in the literature in individuals affected with MSH6-related conditions. ClinVar contains an entry for this variant (Variation ID: 419929). In-slilico simulators show this variant to be deleterious. The available evidence is currently insufficient to determine the role of this variant in disease. Therefore, it has been classified as a Variant of Uncertain Significance.

GeneDx
Classification: Uncertain significance. Last evaluated: 2023-01-09. Review status: criteria provided, single submitter. Criteria: GeneDx Variant Classification Process June 2021. Collection method: clinical testing. Allele origin: germline. Affected: yes.
Comment: Not observed at significant frequency in large population cohorts (gnomAD); In silico analysis supports that this missense variant has a deleterious effect on protein structure/function; Has not been previously published as pathogenic or benign to our knowledge; This variant is associated with the following publications: (PMID: 22949387, 17531815, 21120944, 23621914)

Women's Health and Genetics/Laboratory Corporation of America, LabCorp
Classification: Uncertain significance. Last evaluated: 2016-03-01. Review status: criteria provided, single submitter. Criteria: LabCorp Variant Classification Summary - May 2015. Collection method: clinical testing. Allele origin: germline.
Comment: Variant summary: The c.2534A>G variant affects a conserved nucleotide, resulting in amino acid change from Tyr to Cys. 4/4 in-silico tools predict damaging outcome for this variant (SNPs&GO not captured due to low reliability index). This variant is not found in 120004 control chromosomes. The variant of interest has not, to our knowledge, been reported in affected individuals via publications and/or reputable databases/clinical laboratories nor was it evaluated for functional impact by in vivo/vitro studies. Due to the absence of clinical information and the lack of functional studies, the variant was classified as a variant of uncertain significance (VUS) until additional information becomes available.

NM_000179.3(MSH6):c.2534A>G (p.Tyr845Cys)

Gene: MSH6 (mutS homolog 6; plus strand). Cytogenetic location: 2p16.3.
Variant type: single nucleotide variant.
Coding change: c.2534A>G on transcript NM_000179.3 (MANE Select); coding-DNA position 2534, A replaced by G.
Protein change: p.Tyr845Cys; replaces tyrosine 845 with cysteine.
Molecular consequence: missense variant.
Genome position (GRCh38, 1-based): chr2:47,800,517, A>G. VCF-style: chr2-47800517-A-G. GRCh37 (hg19) VCF-style: chr2-48027656-A-G.
Other names: c.2144A>G, p.Tyr715Cys (NM_001281492.2); c.1628A>G, p.Tyr543Cys (NM_001281493.2, NM_001281494.2); short protein forms Y845C, Y543C, Y715C.
Identifiers: ClinVar variation 419929 (VCV000419929.20), dbSNP rs1064794190, ClinGen allele CA16617675.